The following is an entry in ClinVar:

NM_007294.4(BRCA1):c.3282T>A (p.Tyr1094Ter)

Genes: BRCA1 (BRCA1 DNA repair associated; minus strand), LOC126862571 (BRD4-independent group 4 enhancer GRCh37_chr17:41243136-41244335; plus strand). Cytogenetic location: 17q21.31.
Variant type: single nucleotide variant.
Coding change: c.3282T>A on transcript NM_007294.4 (MANE Select); coding-DNA position 3282, T replaced by A.
Protein change: p.Tyr1094Ter; replaces tyrosine 1094 with a stop codon.
Molecular consequence: nonsense. On other transcripts: intron variant (137).
Genome position (GRCh38, 1-based): chr17:43,092,249, A>T on the plus strand (T>A on the coding strand, the complement: BRCA1 is on the minus strand). VCF-style: chr17-43092249-A-T. GRCh37 (hg19) VCF-style: chr17-41244266-A-T.
Other names: c.3069T>A, p.Tyr1023Ter (NM_001407571.1, NM_001407853.1, NM_001407894.1 and 9 more transcripts); c.3282T>A, p.Tyr1094Ter (NM_001407581.1, NM_001407582.1, NM_001407583.1 and 30 more transcripts); c.3279T>A, p.Tyr1093Ter (NM_001407587.1, NM_001407590.1, NM_001407591.1 and 22 more transcripts); c.3273T>A, p.Tyr1091Ter (NM_001407646.1, NM_001407647.1); c.3159T>A, p.Tyr1053Ter (NM_001407648.1, NM_001407664.1, NM_001407665.1 and 19 more transcripts); c.3156T>A, p.Tyr1052Ter (NM_001407649.1, NM_001407670.1, NM_001407671.1 and 11 more transcripts); c.3204T>A, p.Tyr1068Ter (NM_001407653.1, NM_001407654.1, NM_001407655.1 and 4 more transcripts); c.3201T>A, p.Tyr1067Ter (NM_001407659.1, NM_001407660.1, NM_001407661.1 and 1 more transcripts); and 41 more; short protein forms Y1024*, Y1091*, Y798*, Y926*, Y1006*, Y1023*, Y1027*, Y1046*.
Identifiers: ClinVar variation 4795881 (VCV004795881.1).

ClinVar aggregate classification (germline): Pathogenic (1 of 4 stars; one submission).

Conditions:
Inherited breast cancer and ovarian cancer.

Submission:

Genomics and Molecular Medicine Service, East Genomic Laboratory Hub, NHS Genomic Medicine Service
Classification: Pathogenic for Inherited breast cancer and ovarian cancer. Last evaluated: 2026-01-29. Review status: criteria provided, single submitter. Criteria: ACGS Best Practice Guidelines for Variant Classification in Rare Disease 2020. Collection method: clinical testing. Allele origin: germline. Affected: yes.
Comment: PVS1,PM2,PM5_Strong